The following is an entry in ClinVar:

NM_001458.5(FLNC):c.2310C>T (p.Tyr770=)

Gene: FLNC (filamin C; plus strand). Cytogenetic location: 7q32.1.
Variant type: single nucleotide variant.
Coding change: c.2310C>T on transcript NM_001458.5 (MANE Select); coding-DNA position 2310, C replaced by T.
Protein change: p.Tyr770=; no amino-acid change (tyrosine 770 retained).
Molecular consequence: synonymous variant.
Genome position (GRCh38, 1-based): chr7:128,842,619, C>T. VCF-style: chr7-128842619-C-T. GRCh37 (hg19) VCF-style: chr7-128482673-C-T.
Other names: p.Tyr770=; c.2310C>T, p.Tyr770= (NM_001127487.2).
Identifiers: ClinVar variation 539470 (VCV000539470.18), dbSNP rs374087953, ClinGen allele CA4474684.

ClinVar aggregate classification (germline): Likely benign. Review status: criteria provided, multiple submitters, no conflicts (2 of 4 stars). 6 submissions from 6 submitters: Likely benign (6). Last evaluated 2025-12-15.

Conditions:
Cardiovascular phenotype. Identifiers: MedGen CN230736.
Hypertrophic cardiomyopathy 26. Also called: Cardiomyopathy, familial hypertrophic, 26. Identifiers: Orphanet 75249, MedGen C4310749, MONDO:0014883, OMIM 617047.
Distal myopathy with posterior leg and anterior hand involvement. Also called: WILLIAMS DISTAL MYOPATHY. Identifiers: Orphanet 63273, MedGen C3279722, MONDO:0013550, OMIM 614065.
Myofibrillar myopathy 5. Also called: Filaminopathy (type); FILAMINOPATHY, AUTOSOMAL DOMINANT. Identifiers: Orphanet 171445, MedGen C1836050, MONDO:0012289, OMIM 609524.
FLNC-related disorder. Also called: FLNC-related disorders; FLNC-related condition.

Allele frequency attached by ClinVar (database versions not stated): gnomAD exomes 0.00003 and 0.00005; gnomAD 0.00004; TOPMed 0.00006; ESP Exome Variant Server 0.00009; ExAC 0.00015.
gnomAD v4.1: 73 of 1,550,098 alleles (0.0047%); highest among the groups gnomAD compares: East Asian, 0.0073%; no homozygotes.

Submissions (6):

Labcorp Genetics (formerly Invitae), Labcorp
Classification: Likely benign for Distal myopathy with posterior leg and anterior hand involvement; Myofibrillar myopathy 5; Hypertrophic cardiomyopathy 26. Last evaluated: 2025-12-15. Review status: criteria provided, single submitter. Criteria: Invitae Variant Classification Sherloc (09022015). Collection method: clinical testing. Allele origin: germline.

Mayo Clinic Laboratories, Mayo Clinic
Classification: Likely benign. Last evaluated: 2025-09-17. Review status: criteria provided, single submitter. Criteria: ACMG Guidelines, 2015. Collection method: clinical testing. Allele origin: germline. Observed: 2 variant alleles.
Comment: BP4, BP7

PreventionGenetics, part of Exact Sciences
Classification: Likely benign for FLNC-related condition. Last evaluated: 2025-06-05. Review status: criteria provided, single submitter. Criteria: ACMG Guidelines, 2015. Collection method: clinical testing. Allele origin: germline.
Comment: This variant is classified as likely benign based on ACMG/AMP sequence variant interpretation guidelines (Richards et al. 2015 PMID: 25741868, with internal and published modifications).

Molecular Diagnostic Laboratory for Inherited Cardiovascular Disease, Montreal Heart Institute
Classification: Likely benign. Last evaluated: 2025-04-09. Review status: criteria provided, single submitter. Criteria: ACMG Guidelines, 2015. Collection method: clinical testing. Allele origin: germline. Affected: no.

Blueprint Genetics
Classification: Likely benign. Last evaluated: 2022-11-28. Review status: criteria provided, single submitter. Criteria: ACMG Guidelines, 2015. Collection method: clinical testing. Allele origin: germline.

Ambry Genetics
Classification: Likely benign for Cardiovascular phenotype. Last evaluated: 2019-05-19. Review status: criteria provided, single submitter. Criteria: Ambry Variant Classification Scheme 2023. Collection method: clinical testing. Allele origin: germline.